The following is an entry in ClinVar:

ClinVar aggregate classification (germline): Uncertain significance (1 of 4 stars; one submission).

Conditions:
Epidermolysis bullosa simplex 5B, with muscular dystrophy (EBS5B). Also called: Epidermolysis bullosa simplex with muscular dystrophy; EPIDERMOLYSIS BULLOSA SIMPLEX AND LIMB-GIRDLE MUSCULAR DYSTROPHY. Identifiers: Orphanet 257, MedGen C2931072, MONDO:0009181, OMIM 226670.
Autosomal recessive limb-girdle muscular dystrophy type 2Q (LGMDR17). Also called: MUSCULAR DYSTROPHY, LIMB-GIRDLE, AUTOSOMAL RECESSIVE 17. Identifiers: Orphanet 254361, MedGen C3150989, MONDO:0013390, OMIM 613723.
Epidermolysis bullosa simplex with nail dystrophy (EBS5D). Identifiers: MedGen C4225309, MONDO:0014661, OMIM 616487.
Epidermolysis bullosa simplex 5C, with pyloric atresia (EBS5C). Also called: PLEC-Related Epidermolysis Bullosa with Pyloric Atresia; Epidermolysis bullosa simplex with pyloric atresia; PLEC1-Related Epidermolysis Bullosa with Pyloric Atresia. Identifiers: Orphanet 158684, MedGen C2677349, MONDO:0012807, OMIM 612138.
Epidermolysis bullosa simplex, Ogna type (EBS5A). Also called: Pidermolysis bullosa simplex 5A, Ogna type; EPIDERMOLYSIS BULLOSA SIMPLEX 5A, OGNA TYPE. Identifiers: Orphanet 79401, MedGen C0432317, MONDO:0007555, OMIM 131950.

Allele frequency attached by ClinVar (database versions not stated): gnomAD exomes 0.00001 and 0.00005; gnomAD 0.00007; TOPMed 0.00007; ExAC 0.00026.
gnomAD v4.1: 31 of 1,546,550 alleles (0.002%); highest among the groups gnomAD compares: African/African-American, 0.03%; no homozygotes.

Submission:

Labcorp Genetics (formerly Invitae), Labcorp
Classification: Uncertain significance for Autosomal recessive limb-girdle muscular dystrophy type 2Q; Epidermolysis bullosa simplex, Ogna type; Epidermolysis bullosa simplex with nail dystrophy; Epidermolysis bullosa simplex 5C, with pyloric atresia; Epidermolysis bullosa simplex 5B, with muscular dystrophy. Last evaluated: 2025-10-29. Review status: criteria provided, single submitter. Criteria: Invitae Variant Classification Sherloc (09022015). Collection method: clinical testing. Allele origin: germline.
Comment: This sequence change replaces arginine, which is basic and polar, with glutamine, which is neutral and polar, at codon 1640 of the PLEC protein (p.Arg1640Gln). The frequency data for this variant in the population databases is considered unreliable, as metrics indicate poor data quality at this position in the gnomAD database. This variant has not been reported in the literature in individuals affected with PLEC-related conditions. ClinVar contains an entry for this variant (Variation ID: 967399). Invitae Evidence Modeling of protein sequence and biophysical properties (such as structural, functional, and spatial information, amino acid conservation, physicochemical variation, residue mobility, and thermodynamic stability) indicates that this missense variant is not expected to disrupt PLEC protein function with a negative predictive value of 80%. In summary, the available evidence is currently insufficient to determine the role of this variant in disease. Therefore, it has been classified as a Variant of Uncertain Significance.

NM_201384.3(PLEC):c.4838G>A (p.Arg1613Gln)

Gene: PLEC (plectin; minus strand). Cytogenetic location: 8q24.3.
Variant type: single nucleotide variant.
Coding change: c.4838G>A on transcript NM_201384.3 (MANE Select); coding-DNA position 4838, G replaced by A.
Protein change: p.Arg1613Gln; replaces arginine 1613 with glutamine.
Molecular consequence: missense variant.
Genome position (GRCh38, 1-based): chr8:143,925,091, C>T on the plus strand (G>A on the coding strand, the complement: PLEC is on the minus strand). VCF-style: chr8-143925091-C-T. GRCh37 (hg19) VCF-style: chr8-144999259-C-T.
Other names: c.4919G>A, p.Arg1640Gln (NM_000445.5); c.4796G>A, p.Arg1599Gln (NM_201378.4); c.4772G>A, p.Arg1591Gln (NM_201379.3); c.5249G>A, p.Arg1750Gln (NM_201380.4); c.4742G>A, p.Arg1581Gln (NM_201381.3); c.4838G>A, p.Arg1613Gln (NM_201382.4); c.4850G>A, p.Arg1617Gln (NM_201383.3); short protein forms R1599Q, R1581Q, R1591Q, R1613Q, R1750Q, R1617Q, R1640Q.
Identifiers: ClinVar variation 967399 (VCV000967399.7), dbSNP rs782102511, ClinGen allele CA4926524.